The following is an entry in ClinVar:

ClinVar aggregate classification (germline): Uncertain significance (1 of 4 stars; one submission).

Conditions:
Ichthyosis vulgaris. Also called: Dominant ichthyosis vulgaris; ICHTHYOSIS SIMPLEX. Identifiers: MedGen C0079584, MONDO:0024304, OMIM 146700.

Submission:

MVZ Medizinische Genetik Mainz
Classification: Uncertain significance for Ichthyosis vulgaris. Last evaluated: 2023-12-15. Review status: criteria provided, single submitter. Criteria: UK Practice Guidelines For Variant Classification V4 01 2020. Collection method: clinical testing. Allele origin: germline. Inheritance: Autosomal dominant inheritance. Affected: yes. Observed: 1 variant allele.
Comment: ACMG Criteria: PVS1_STR,PM2_SUP

NM_002016.2(FLG):c.2039del (p.Lys679_Ser680insTer)

Genes: CCDST (cervical cancer associated DHX9 suppressive transcript; plus strand), FLG (filaggrin; minus strand). Cytogenetic location: 1q21.3.
Variant type: Deletion.
Coding change: c.2039del on transcript NM_002016.2 (MANE Select); coding-DNA position 2039, one base deleted (C; older notation c.2039delC).
Protein change: p.Lys679_Ser680insTer.
Molecular consequence: nonsense.
Genome position (GRCh38, 1-based): chr1:152,312,847, G deleted on the plus strand (C on the coding strand, the reverse complement: FLG is on the minus strand). VCF-style (leftmost placement, unchanged base first): chr1-152312846-TG-T. GRCh37 (hg19) VCF-style: chr1-152285322-TG-T.
Identifiers: ClinVar variation 3068394 (VCV003068394.1), dbSNP rs2525207687, ClinGen allele CA2647993951.